The following is an entry in ClinVar:

NM_000719.7(CACNA1C):c.3534G>T (p.Lys1178Asn)

Gene: CACNA1C (calcium voltage-gated channel subunit alpha1 C; plus strand). Cytogenetic location: 12p13.33.
Variant type: single nucleotide variant.
Coding change: c.3534G>T on transcript NM_000719.7 (MANE Select); coding-DNA position 3534, G replaced by T.
Protein change: p.Lys1178Asn; replaces lysine 1178 with asparagine.
Molecular consequence: missense variant.
Genome position (GRCh38, 1-based): chr12:2,608,688, G>T. VCF-style: chr12-2608688-G-T. GRCh37 (hg19) VCF-style: chr12-2717854-G-T.
Other names: c.3594G>T, p.Lys1198Asn (NM_001129827.2, NM_001129832.2, NM_199460.4); c.3534G>T, p.Lys1178Asn (NM_001129829.2, NM_001129830.3, NM_001129831.2 and 15 more transcripts); c.3525G>T, p.Lys1175Asn (NM_001129844.2); short protein forms K1175N, K1198N, K1178N.
Identifiers: ClinVar variation 1472841 (VCV001472841.8), dbSNP rs868413395, ClinGen allele CA383375756.

ClinVar aggregate classification (germline): Uncertain significance (1 of 4 stars; one submission).

Conditions:
Long QT syndrome (LQTS). Identifiers: MedGen C0023976, MeSH D008133, MONDO:0002442. Disease mechanism: loss of function. Inheritance: Various modes of inheritance.

Allele frequency attached by ClinVar (database versions not stated): TOPMed below 0.00001.

Submission:

Labcorp Genetics (formerly Invitae), Labcorp
Classification: Uncertain significance for Long QT syndrome. Last evaluated: 2021-05-19. Review status: criteria provided, single submitter. Criteria: Invitae Variant Classification Sherloc (09022015). Collection method: clinical testing. Allele origin: germline.
Comment: In summary, the available evidence is currently insufficient to determine the role of this variant in disease. Therefore, it has been classified as a Variant of Uncertain Significance. Algorithms developed to predict the effect of missense changes on protein structure and function are either unavailable or do not agree on the potential impact of this missense change (SIFT: "Deleterious"; PolyPhen-2: "Probably Damaging"; Align-GVGD: "Class C0"). This variant has not been reported in the literature in individuals with CACNA1C-related conditions. This variant is not present in population databases (ExAC no frequency). This sequence change replaces lysine with asparagine at codon 1178 of the CACNA1C protein (p.Lys1178Asn). The lysine residue is highly conserved and there is a moderate physicochemical difference between lysine and asparagine.